The following is an entry in ClinVar:

ClinVar aggregate classification (germline): Benign (1 of 4 stars; one submission).

Allele frequency attached by ClinVar (database versions not stated): 1000 Genomes Project 0.05911; TOPMed 0.03797 and 0.03686.
gnomAD v4.1: 5,949 of 149,426 alleles (4%); highest among the groups gnomAD compares: South Asian, 15%; 197 homozygotes.

Submission:

GeneDx
Classification: Benign. Last evaluated: 2018-06-16. Review status: criteria provided, single submitter. Criteria: GeneDx Variant Classification (06012015). Collection method: clinical testing. Allele origin: germline. Affected: yes.
Comment: This variant is considered likely benign or benign based on one or more of the following criteria: it is a conservative change, it occurs at a poorly conserved position in the protein, it is predicted to be benign by multiple in silico algorithms, and/or has population frequency not consistent with disease.

NM_004820.5(CYP7B1):c.850+157A>T

Gene: CYP7B1 (cytochrome P450 family 7 subfamily B member 1; minus strand). Cytogenetic location: 8q12.3.
Variant type: single nucleotide variant.
Coding change: c.850+157A>T on transcript NM_004820.5 (MANE Select); 157 bases into the intron after coding-DNA position 850, A replaced by T.
Molecular consequence: intron variant.
Genome position (GRCh38, 1-based): chr8:64,615,534, T>A on the plus strand (A>T on the coding strand, the complement: CYP7B1 is on the minus strand). VCF-style: chr8-64615534-T-A. GRCh37 (hg19) VCF-style: chr8-65528091-T-A.
Other names: c.850+157A>T (NM_001324112.2).
Identifiers: ClinVar variation 670363 (VCV000670363.1), dbSNP rs4543580, ClinGen allele CA178389438.
Genomic context (GRCh38, chr8:64,615,534, plus strand): 5'-CTCTTTCTCATTATCACCATTAAGTATCTTGTTTTACCACCTCAGCAAAAAAAAAAAAAA[T>A]ATCAATTATAGAGGGTTATATCAGAGTAAAACATTTTATCATTAGCCAATTAGAAAGAGC-3'